The following is an entry in ClinVar:

NM_006648.4(WNK2):c.4550C>T (p.Pro1517Leu)

Gene: WNK2 (WNK lysine deficient protein kinase 2; plus strand). Cytogenetic location: 9q22.31.
Variant type: single nucleotide variant.
Coding change: c.4550C>T on transcript NM_006648.4 (MANE Select); coding-DNA position 4550, C replaced by T.
Protein change: p.Pro1517Leu; replaces proline 1517 with leucine.
Molecular consequence: missense variant.
Genome position (GRCh38, 1-based): chr9:93,289,304, C>T. VCF-style: chr9-93289304-C-T. GRCh37 (hg19) VCF-style: chr9-96051586-C-T.
Other names: c.4661C>T, p.Pro1554Leu (NM_001282394.3); short protein forms P1517L, P1554L.
Identifiers: ClinVar variation 4605339 (VCV004605339.1).
Genomic context (GRCh38, chr9:93,289,304, plus strand): 5'-CTCCCCTGCTTCCTGCCGCAGTGGGGGCCGTCAGCCTGGCCACCTCCCAGCTCCCAAGCC[C>T]ACCCCTGGGGCCCACCGTCCCCCCACAGCCACCCTCGGCCCTGGAGTCGGATGGGGAAGG-3'
Protein context (NP_006639.3, residues 1507-1527): VSLATSQLPS[Pro1517Leu]PLGPTVPPQP

ClinVar aggregate classification (germline): Uncertain significance (1 of 4 stars; one submission).

gnomAD v4.1: 1 of 1,599,440 alleles (0.000063%); no homozygotes.

Submission:

Ambry Genetics
Classification: Uncertain significance. Last evaluated: 2025-11-05. Review status: criteria provided, single submitter. Criteria: Ambry Variant Classification Scheme 2023. Collection method: clinical testing. Allele origin: germline.
Comment: The p.P1517L variant (also known as c.4550C>T), located in coding exon 19 of the WNK2 gene, results from a C to T substitution at nucleotide position 4550. The proline at codon 1517 is replaced by leucine, an amino acid with similar properties. This amino acid position is conserved. In addition, this alteration is predicted to be tolerated by in silico analysis. Based on the available evidence, the clinical significance of this variant remains unclear.